The following is an entry in ClinVar:

ClinVar aggregate classification (germline): Pathogenic (1 of 4 stars; one submission).

Conditions:
Bardet-Biedl syndrome (BBS). Identifiers: Orphanet 110, MedGen C0752166, MONDO:0015229.

Submission:

Labcorp Genetics (formerly Invitae), Labcorp
Classification: Pathogenic for Bardet-Biedl syndrome. Last evaluated: 2024-05-06. Review status: criteria provided, single submitter. Criteria: Invitae Variant Classification Sherloc (09022015). Collection method: clinical testing. Allele origin: germline.
Comment: This sequence change creates a premature translational stop signal (p.Asn176Glnfs*20) in the BBS5 gene. It is expected to result in an absent or disrupted protein product. Loss-of-function variants in BBS5 are known to be pathogenic (PMID: 15137946, 16877420, 26325687, 27708425, 28041643, 29806606). This variant is not present in population databases (gnomAD no frequency). This variant has not been reported in the literature in individuals affected with BBS5-related conditions. Algorithms developed to predict the effect of sequence changes on RNA splicing suggest that this variant may disrupt the consensus splice site. For these reasons, this variant has been classified as Pathogenic.

Literature cited by the submitters: PubMed 15137946; PubMed 16877420; PubMed 26325687; PubMed 27708425; PubMed 28041643; PubMed 29806606.

NC_000002.12:g.169493742dup

Gene: BBS5 (Bardet-Biedl syndrome 5; plus strand). Cytogenetic location: 2q31.1.
Variant type: Duplication.
Genome position: GRCh38 VCF-style: chr2-169493739-A-AG. GRCh37 (hg19) VCF-style: chr2-170350249-A-AG.
Identifiers: ClinVar variation 3669260 (VCV003669260.2).